The following is an entry in ClinVar:

ClinVar aggregate classification (germline): Uncertain significance. Review status: criteria provided, single submitter (1 of 4 stars). 2 submissions from 2 submitters: Uncertain significance (1). 1 of the submissions does not count toward it. Last evaluated 2021-08-27.

Conditions:
Lysinuric protein intolerance (LPI). Identifiers: Orphanet 470, MedGen C0268647, MONDO:0009109, OMIM 222700.

Allele frequency attached by ClinVar (database versions not stated): gnomAD 0.00001; TOPMed 0.00001.
gnomAD v4.1: 3 of 1,614,052 alleles (0.00019%); highest among the groups gnomAD compares: Non-Finnish European, 0.00025%; no homozygotes.

Submissions (2):

Labcorp Genetics (formerly Invitae), Labcorp
Classification: Uncertain significance for Lysinuric protein intolerance. Last evaluated: 2021-08-27. Review status: criteria provided, single submitter. Criteria: Invitae Variant Classification Sherloc (09022015). Collection method: clinical testing. Allele origin: germline.
Comment: This sequence change replaces glycine with arginine at codon 70 of the SLC7A7 protein (p.Gly70Arg). The glycine residue is highly conserved and there is a moderate physicochemical difference between glycine and arginine. This variant is not present in population databases (ExAC no frequency). This variant has not been reported in the literature in individuals affected with SLC7A7-related conditions. Algorithms developed to predict the effect of missense changes on protein structure and function are either unavailable or do not agree on the potential impact of this missense change (SIFT: "Tolerated"; PolyPhen-2: "Probably Damaging"; Align-GVGD: "Class C0"). In summary, the available evidence is currently insufficient to determine the role of this variant in disease. Therefore, it has been classified as a Variant of Uncertain Significance.

Natera, Inc.
Classification: Uncertain significance for Lysinuric protein intolerance. Last evaluated: 2020-04-17. Review status: no assertion criteria provided. Collection method: clinical testing. Allele origin: germline. Not counted in ClinVar's aggregate classification.

NM_003982.4(SLC7A7):c.208G>C (p.Gly70Arg)

Gene: SLC7A7 (solute carrier family 7 member 7; minus strand). Cytogenetic location: 14q11.2.
Variant type: single nucleotide variant.
Coding change: c.208G>C on transcript NM_003982.4 (MANE Select); coding-DNA position 208, G replaced by C.
Protein change: p.Gly70Arg; replaces glycine 70 with arginine.
Molecular consequence: missense variant.
Genome position (GRCh38, 1-based): chr14:22,813,191, C>G on the plus strand (G>C on the coding strand, the complement: SLC7A7 is on the minus strand). VCF-style: chr14-22813191-C-G. GRCh37 (hg19) VCF-style: chr14-23282400-C-G.
Other names: c.208G>C, p.Gly70Arg (NM_001126105.3, NM_001126106.4); short protein forms G70R.
Identifiers: ClinVar variation 967780 (VCV000967780.7), dbSNP rs1195832434, ClinGen allele CA388922600.